The following is an entry in ClinVar:

ClinVar aggregate classification (germline): Likely pathogenic (1 of 4 stars; one submission).

Conditions:
Autosomal recessive nonsyndromic hearing loss 77. Identifiers: Orphanet 90636, MedGen C2746083, MONDO:0013119, OMIM 613079.

Submission:

Natera, Inc.
Classification: Likely pathogenic for Autosomal recessive deafness type 77. Last evaluated: 2024-03-27. Review status: criteria provided, single submitter. Criteria: Natera Variant Classification Schema (03/2026). Collection method: clinical testing. Allele origin: germline.
Comment: The c.3357C>A variant in LOXHD1 is a nonsense variant predicted to introduce a stop codon at amino acid 1119. This variant is expected to result in nonsense mediated decay, truncation, or a dysfunctional protein product. This variant is rare in the general population with a frequency below the threshold expected for the associated phenotype(s). Given the available evidence, this variant is classified as Likely Pathogenic.

NM_001384474.1(LOXHD1):c.3357C>A (p.Tyr1119Ter)

Gene: LOXHD1 (lipoxygenase homology PLAT domains 1; minus strand). Cytogenetic location: 18q21.1.
Variant type: single nucleotide variant.
Coding change: c.3357C>A on transcript NM_001384474.1 (MANE Select); coding-DNA position 3357, C replaced by A.
Protein change: p.Tyr1119Ter; replaces tyrosine 1119 with a stop codon.
Molecular consequence: nonsense. On other transcripts: 5 prime UTR variant (1).
Genome position (GRCh38, 1-based): chr18:46,547,052, G>T on the plus strand (C>A on the coding strand, the complement: LOXHD1 is on the minus strand). VCF-style: chr18-46547052-G-T. GRCh37 (hg19) VCF-style: chr18-44127015-G-T.
Other names: c.24C>A, p.Tyr8Ter (NM_001145472.3); c.-265C>A (NM_001308013.2); c.3357C>A, p.Tyr1119Ter (NM_144612.7); short protein forms Y1119*, Y8*.
Identifiers: ClinVar variation 4816821 (VCV004816821.1).
Genomic context (GRCh38, chr18:46,547,052, plus strand): 5'-CAGCTCCCTGGACAGCTGGCCATCATCTTCCTCCACTGCCAGCCAACGTTGGCATGGAAA[G>T]TAGTACCTGTGGGGGTGGATAGGGAAAGATTGGAATGTCCTCTTAGAAAGGTCTCGTCCA-3'